The following is an entry in ClinVar:

ClinVar aggregate classification (germline): Uncertain significance (1 of 4 stars; one submission).

Submission:

GeneDx
Classification: Uncertain significance. Last evaluated: 2024-03-04. Review status: criteria provided, single submitter. Criteria: GeneDx Variant Classification Process June 2021. Collection method: clinical testing. Allele origin: germline. Affected: yes.
Comment: Not observed at significant frequency in large population cohorts (gnomAD); In silico analysis supports that this missense variant has a deleterious effect on protein structure/function; Has not been previously published as pathogenic or benign to our knowledge

NM_000352.6(ABCC8):c.2188A>G (p.Met730Val)

Gene: ABCC8 (ATP binding cassette subfamily C member 8; minus strand). Cytogenetic location: 11p15.1.
Variant type: single nucleotide variant.
Coding change: c.2188A>G on transcript NM_000352.6 (MANE Select); coding-DNA position 2188, A replaced by G.
Protein change: p.Met730Val; replaces methionine 730 with valine.
Molecular consequence: missense variant. On other transcripts: non-coding transcript variant (1).
Genome position (GRCh38, 1-based): chr11:17,427,083, T>C on the plus strand (A>G on the coding strand, the complement: ABCC8 is on the minus strand). VCF-style: chr11-17427083-T-C. GRCh37 (hg19) VCF-style: chr11-17448630-T-C.
Other names: c.2188A>G, p.Met730Val (NM_001287174.3); c.2254A>G, p.Met752Val (NM_001351295.2); c.2185A>G, p.Met729Val (NM_001351296.2, NM_001351297.2); short protein forms M729V, M730V, M752V.
Identifiers: ClinVar variation 3373626 (VCV003373626.1).
Genomic context (GRCh38, chr11:17,427,083, plus strand): 5'-CTGGGCCCTGAGGATACATGTATTACCTGCTCCAGAAGACAGCCCCTGAGACCTTCTGCA[T>C]CTCCCCCAGTGCGGCTAGAAGGAGCGAGGACTTGCCGCAGCCCACCTGCCCCACGATCAT-3'
Protein context (NP_000343.2, residues 720-740): SSLLLAALGE[Met730Val]QKVSGAVFWS